The following is an entry in ClinVar:

NM_006231.4(POLE):c.4410G>T (p.Met1470Ile)

Gene: POLE (DNA polymerase epsilon, catalytic subunit; minus strand). Cytogenetic location: 12q24.33.
Variant type: single nucleotide variant.
Coding change: c.4410G>T on transcript NM_006231.4 (MANE Select); coding-DNA position 4410, G replaced by T.
Protein change: p.Met1470Ile; replaces methionine 1470 with isoleucine.
Molecular consequence: missense variant.
Genome position (GRCh38, 1-based): chr12:132,643,441, C>A on the plus strand (G>T on the coding strand, the complement: POLE is on the minus strand). VCF-style: chr12-132643441-C-A. GRCh37 (hg19) VCF-style: chr12-133220027-C-A.
Other names: short protein forms M1470I.
Identifiers: ClinVar variation 4862275 (VCV004862275.1).
Genomic context (GRCh38, chr12:132,643,441, plus strand): 5'-TGATGGGCGGCTGGTGCAGGCCATACCTGGTTCCAGGTAGCTGAACTGGGCCAGAGAGCG[C>A]ATCTCCAGGTGCTCAAGAGCAAAGGTCTCTGCTTCCCAGCCTGAAAGGTGCCTCACCAGC-3'
Protein context (NP_006222.2, residues 1460-1480): AETFALEHLE[Met1470Ile]RSLAQFSYLE

ClinVar aggregate classification (germline): Uncertain significance (1 of 4 stars; one submission).

Conditions:
Hereditary cancer-predisposing syndrome. Also called: Neoplastic Syndromes, Hereditary; Tumor predisposition; Hereditary Cancer Syndrome; Hereditary neoplastic syndrome. Identifiers: Orphanet 140162, MedGen C0027672, MeSH D009386, MONDO:0015356.

Submission:

Ambry Genetics
Classification: Uncertain significance for Hereditary cancer-predisposing syndrome. Last evaluated: 2026-04-19. Review status: criteria provided, single submitter. Criteria: Ambry Variant Classification Scheme 2023. Collection method: clinical testing. Allele origin: germline.
Comment: The p.M1470I variant (also known as c.4410G>T), located in coding exon 34 of the POLE gene, results from a G to T substitution at nucleotide position 4410. The methionine at codon 1470 is replaced by isoleucine, an amino acid with highly similar properties. This amino acid position is conserved. In addition, this alteration is predicted to be tolerated by in silico analysis. Based on the available evidence, the clinical significance of this variant remains unclear.